The following is an entry in ClinVar:

NM_001370595.2(COA8):c.23AGA[1] (p.Lys9del)

Gene: COA8 (cytochrome c oxidase assembly factor 8; plus strand). Cytogenetic location: 14q32.33.
Variant type: Microsatellite.
Coding change: c.23AGA[1] on transcript NM_001370595.2 (MANE Select); one copy of the 3-base unit AGA starting at c.23; the reference has two copies in a row; one copy, 3 bases deleted.
Protein change: p.Lys9del; deletes lysine 9.
Molecular consequence: non-coding transcript variant (on NR_126431.2).
Genome position (GRCh38, 1-based): chr14:103,563,027-103,563,029, AGA deleted; deleting any 3 consecutive bases within chr14:103,563,022-103,563,029 gives the same sequence; the position shown is the placement nearest the transcript's 3' end. VCF-style (leftmost placement, unchanged base first): chr14-103563021-GGAA-G. GRCh37 (hg19) VCF-style: chr14-104029358-GGAA-G.
Other names: c.23AGA[1], p.Lys9del (NM_001302653.2, NM_001302654.2); short protein forms K9del.
Identifiers: ClinVar variation 3778129 (VCV003778129.7).

ClinVar aggregate classification (germline): Uncertain significance (1 of 4 stars; one submission).

Submission:

CeGaT Center for Human Genetics Tuebingen
Classification: Uncertain significance. Last evaluated: 2025-03-01. Review status: criteria provided, single submitter. Criteria: CeGaT Center For Human Genetics Tuebingen Variant Classification Criteria Version 2. Collection method: clinical testing. Allele origin: germline. Affected: yes. Observed: 1 variant allele.
Comment: COA8: PM2, PM4:Supporting